The following is an entry in ClinVar:

NM_003482.4(KMT2D):c.7220C>T (p.Pro2407Leu)

Gene: KMT2D (lysine methyltransferase 2D; minus strand). Cytogenetic location: 12q13.12.
Variant type: single nucleotide variant.
Coding change: c.7220C>T on transcript NM_003482.4 (MANE Select); coding-DNA position 7220, C replaced by T.
Protein change: p.Pro2407Leu; replaces proline 2407 with leucine.
Molecular consequence: missense variant.
Genome position (GRCh38, 1-based): chr12:49,040,550, G>A on the plus strand (C>T on the coding strand, the complement: KMT2D is on the minus strand). VCF-style: chr12-49040550-G-A. GRCh37 (hg19) VCF-style: chr12-49434333-G-A.
Other names: short protein forms P2407L.
Identifiers: ClinVar variation 1212236 (VCV001212236.8), dbSNP rs557710295, ClinGen allele CA6547099.

ClinVar aggregate classification (germline): Conflicting classifications of pathogenicity. Review status: criteria provided, conflicting classifications (1 of 4 stars). 2 submissions from 2 submitters: Uncertain significance (1); Benign (1). Last evaluated 2023-09-01.

Conditions:
Kabuki syndrome. Also called: Kabuki make-up syndrome; NIIKAWA-KUROKI SYNDROME. Identifiers: Orphanet 2322, MedGen C0796004, MONDO:0016512.

Allele frequency attached by ClinVar (database versions not stated): gnomAD exomes below 0.00001 and 0.00001; TOPMed below 0.00001; gnomAD 0.00001 and 0.00002; ExAC 0.00002; 1000 Genomes Project 30x 0.00031; 1000 Genomes Project 0.00040.
gnomAD v4.1: 4 of 1,608,914 alleles (0.00025%); highest among the groups gnomAD compares: African/African-American, 0.004%; no homozygotes.

Submissions (2):

Labcorp Genetics (formerly Invitae), Labcorp
Classification: Benign for Kabuki syndrome. Last evaluated: 2023-09-01. Review status: criteria provided, single submitter. Criteria: Invitae Variant Classification Sherloc (09022015). Collection method: clinical testing. Allele origin: germline.

GeneDx
Classification: Uncertain significance. Last evaluated: 2022-05-26. Review status: criteria provided, single submitter. Criteria: GeneDx Variant Classification Process June 2021. Collection method: clinical testing. Allele origin: germline. Affected: yes.
Comment: In silico analysis supports that this missense variant has a deleterious effect on protein structure/function; Has not been previously published as pathogenic or benign to our knowledge